The following is an entry in ClinVar:

NM_001035.3(RYR2):c.2551C>T (p.Leu851=)

Gene: RYR2 (ryanodine receptor 2; plus strand). Cytogenetic location: 1q43.
Variant type: single nucleotide variant.
Coding change: c.2551C>T on transcript NM_001035.3 (MANE Select); coding-DNA position 2551, C replaced by T.
Protein change: p.Leu851=; no amino-acid change (leucine 851 retained).
Molecular consequence: synonymous variant.
Genome position (GRCh38, 1-based): chr1:237,503,443, C>T. VCF-style: chr1-237503443-C-T. GRCh37 (hg19) VCF-style: chr1-237666743-C-T.
Other names: c.2551C>T, p.Leu851= (LRG_402t1).
Identifiers: ClinVar variation 511991 (VCV000511991.17), dbSNP rs1487401743, ClinGen allele CA423816467.

ClinVar aggregate classification (germline): Likely benign. Review status: criteria provided, multiple submitters, no conflicts (2 of 4 stars). 5 submissions from 5 submitters: Likely benign (5). Last evaluated 2025-12-29.

Conditions:
Cardiomyopathy (CMYO). Also called: Cardiomyopathies. Identifiers: Orphanet 167848, MedGen C0878544, MONDO:0004994, HP:0001638. Inheritance: Various modes of inheritance.
Cardiovascular phenotype. Identifiers: MedGen CN230736.
Catecholaminergic polymorphic ventricular tachycardia (CVPT). Also called: Catecholamine-induced polymorphic ventricular tachycardia. Identifiers: Orphanet 3286, MedGen C5574922, MONDO:0017990.
Catecholaminergic polymorphic ventricular tachycardia 1. Also called: VENTRICULAR TACHYCARDIA, CATECHOLAMINERGIC POLYMORPHIC, 1, WITH OR WITHOUT ATRIAL DYSFUNCTION AND/OR DILATED CARDIOMYOPATHY; RYR2-Related Catecholaminergic Polymorphic Ventricular Tachycardia; VENTRICULAR TACHYCARDIA, STRESS-INDUCED POLYMORPHIC 1. Identifiers: Orphanet 3286, MedGen C1631597, MONDO:0011484, OMIM 604772.

Allele frequency attached by ClinVar (database versions not stated): gnomAD exomes below 0.00001; gnomAD 0.00001 and 0.00002; TOPMed 0.00003.
gnomAD v4.1: 8 of 1,613,850 alleles (0.0005%); highest among the groups gnomAD compares: Middle Eastern, 0.016%; no homozygotes.

Submissions (5):

Labcorp Genetics (formerly Invitae), Labcorp
Classification: Likely benign for Catecholaminergic polymorphic ventricular tachycardia 1. Last evaluated: 2025-12-29. Review status: criteria provided, single submitter. Criteria: Invitae Variant Classification Sherloc (09022015). Collection method: clinical testing. Allele origin: germline.

Ambry Genetics
Classification: Likely benign for Cardiovascular phenotype. Last evaluated: 2025-07-13. Review status: criteria provided, single submitter. Criteria: Ambry Variant Classification Scheme 2023. Collection method: clinical testing. Allele origin: germline.

All of Us Research Program, National Institutes of Health
Classification: Likely benign for Catecholaminergic polymorphic ventricular tachycardia. Last evaluated: 2023-06-26. Review status: criteria provided, single submitter. Criteria: ACMG Guidelines, 2015. Collection method: clinical testing. Allele origin: germline. Inheritance: Autosomal dominant inheritance. Observed: 1 variant allele, 1 heterozygote.
Comment: This study involves interpretation of variants in research participants for the purpose of population health screening. Participant phenotype was not available at the time of variant classification. Additional details can be found in publication PMID: 35346344, PMCID: PMC8962531

Color Diagnostics, LLC DBA Color Health
Classification: Likely benign for Cardiomyopathy. Last evaluated: 2020-04-28. Review status: criteria provided, single submitter. Criteria: ACMG Guidelines, 2015. Collection method: clinical testing. Allele origin: germline.

GeneDx
Classification: Likely benign. Last evaluated: 2017-09-11. Review status: criteria provided, single submitter. Criteria: GeneDx Variant Classification (06012015). Collection method: clinical testing. Allele origin: germline. Affected: yes.
Comment: This variant is considered likely benign or benign based on one or more of the following criteria: it is a conservative change, it occurs at a poorly conserved position in the protein, it is predicted to be benign by multiple in silico algorithms, and/or has population frequency not consistent with disease.